The following is an entry in ClinVar:

NM_001372.4(DNAH9):c.5651G>C (p.Gly1884Ala)

Gene: DNAH9 (dynein axonemal heavy chain 9; plus strand). Cytogenetic location: 17p12.
Variant type: single nucleotide variant.
Coding change: c.5651G>C on transcript NM_001372.4 (MANE Select); coding-DNA position 5651, G replaced by C.
Protein change: p.Gly1884Ala; replaces glycine 1884 with alanine.
Molecular consequence: missense variant.
Genome position (GRCh38, 1-based): chr17:11,719,432, G>C. VCF-style: chr17-11719432-G-C. GRCh37 (hg19) VCF-style: chr17-11622749-G-C.
Other names: c.5651G>C (NM_001372.3); short protein forms G1884A.
Identifiers: ClinVar variation 1236184 (VCV001236184.20), dbSNP rs577054880, ClinGen allele CA8396059.

ClinVar aggregate classification (germline): Uncertain significance. Review status: criteria provided, multiple submitters, no conflicts (2 of 4 stars). 5 submissions from 5 submitters: Uncertain significance (4). 1 of the submissions does not count toward it. Last evaluated 2025-08-13.

Conditions:
Inborn genetic diseases. Identifiers: MedGen C0950123, MeSH D030342.
Hydrocephalus (HYC). Identifiers: MedGen C0020255, MONDO:0001150, HP:0000238.

Allele frequency attached by ClinVar (database versions not stated): ExAC 0.00003; gnomAD 0.00003; gnomAD exomes 0.00004; TOPMed 0.00005; 1000 Genomes Project 0.00020; 1000 Genomes Project 30x 0.00031.
gnomAD v4.1: 75 of 1,613,966 alleles (0.0046%); highest among the groups gnomAD compares: Middle Eastern, 0.05%; no homozygotes.

Submissions (5):

Ambry Genetics
Classification: Uncertain significance for Inborn genetic diseases. Last evaluated: 2025-08-13. Review status: criteria provided, single submitter. Criteria: Ambry Variant Classification Scheme 2023. Collection method: clinical testing. Allele origin: germline.

CeGaT Center for Human Genetics Tuebingen
Classification: Uncertain significance. Last evaluated: 2024-10-01. Review status: criteria provided, single submitter. Criteria: CeGaT Center For Human Genetics Tuebingen Variant Classification Criteria Version 2. Collection method: clinical testing. Allele origin: germline. Affected: yes. Observed: 1 variant allele.
Comment: DNAH9: PM2

Blueprint Genetics
Classification: Uncertain significance. Last evaluated: 2023-09-29. Review status: criteria provided, single submitter. Criteria: ACMG Guidelines, 2015. Collection method: clinical testing. Allele origin: germline.

Labcorp Genetics (formerly Invitae), Labcorp
Classification: Uncertain significance. Last evaluated: 2021-12-03. Review status: criteria provided, single submitter. Criteria: Invitae Variant Classification Sherloc (09022015). Collection method: clinical testing. Allele origin: germline.
Comment: This sequence change replaces glycine, which is neutral and non-polar, with alanine, which is neutral and non-polar, at codon 1884 of the DNAH9 protein (p.Gly1884Ala). This variant is present in population databases (rs577054880, gnomAD 0.009%). This variant has not been reported in the literature in individuals affected with DNAH9-related conditions. ClinVar contains an entry for this variant (Variation ID: 1236184). Algorithms developed to predict the effect of missense changes on protein structure and function are either unavailable or do not agree on the potential impact of this missense change (SIFT: "Deleterious"; PolyPhen-2: "Possibly Damaging"; Align-GVGD: "Class C0"). In summary, the available evidence is currently insufficient to determine the role of this variant in disease. Therefore, it has been classified as a Variant of Uncertain Significance.

Institute of Human Genetics, University of Wuerzburg
Classification: Likely pathogenic for Hydrocephalus. Review status: no assertion criteria provided. Collection method: clinical testing. Allele origin: unknown. Not counted in ClinVar's aggregate classification.